The following is an entry in ClinVar:

ClinVar aggregate classification (germline): Uncertain significance (1 of 4 stars; one submission).

Submission:

GeneDx
Classification: Uncertain significance. Last evaluated: 2025-06-20. Review status: criteria provided, single submitter. Criteria: GeneDx Variant Classification Process June 2021. Collection method: clinical testing. Allele origin: germline. Affected: yes.
Comment: Not observed at significant frequency in large population cohorts (gnomAD); In silico analysis supports that this missense variant has a deleterious effect on protein structure/function; Has not been previously published as pathogenic or benign to our knowledge; This variant is associated with the following publications: (PMID: 1830053, 18790697, 26109584)

NM_001148.6(ANK2):c.9824A>T (p.Asp3275Val)

Gene: ANK2 (ankyrin 2; plus strand). Cytogenetic location: 4q26.
Variant type: single nucleotide variant.
Coding change: c.9824A>T on transcript NM_001148.6 (MANE Select); coding-DNA position 9824, A replaced by T.
Protein change: p.Asp3275Val; replaces aspartic acid 3275 with valine.
Molecular consequence: missense variant. On other transcripts: intron variant (68).
Genome position (GRCh38, 1-based): chr4:113,358,442, A>T. VCF-style: chr4-113358442-A-T. GRCh37 (hg19) VCF-style: chr4-114279598-A-T.
Other names: c.827-2381A>T (NM_001386167.1); c.4271-2381A>T (NM_001386160.1); c.4376-2381A>T (NM_001354254.2); c.4397-2381A>T (NM_001354239.2, NM_001354252.2); c.4298-2381A>T (NM_001354272.2); c.4361-2381A>T (NM_001354244.2, NM_001354256.2, NM_001386161.1); c.4400-2381A>T (NM_001127493.3); c.4364-2381A>T (NM_001386143.1, NM_001354243.2, NM_001354255.2); and 35 more; short protein forms D2075V, D3197V, D3275V, D3314V, D3322V.
Identifiers: ClinVar variation 4538931 (VCV004538931.1).